The following is an entry in ClinVar:

NM_014639.4(SKIC3):c.3965A>G (p.Gln1322Arg)

Gene: SKIC3 (SKI3 subunit of superkiller complex; minus strand). Cytogenetic location: 5q15.
Variant type: single nucleotide variant.
Coding change: c.3965A>G on transcript NM_014639.4 (MANE Select); coding-DNA position 3965, A replaced by G.
Protein change: p.Gln1322Arg; replaces glutamine 1322 with arginine.
Molecular consequence: missense variant.
Genome position (GRCh38, 1-based): chr5:95,484,812, T>C on the plus strand (A>G on the coding strand, the complement: SKIC3 is on the minus strand). VCF-style: chr5-95484812-T-C. GRCh37 (hg19) VCF-style: chr5-94820516-T-C.
Other names: short protein forms Q1322R.
Identifiers: ClinVar variation 4714934 (VCV004714934.1).

ClinVar aggregate classification (germline): Uncertain significance (1 of 4 stars; one submission).

Submission:

Labcorp Genetics (formerly Invitae), Labcorp
Classification: Uncertain significance. Last evaluated: 2025-04-09. Review status: criteria provided, single submitter. Criteria: Invitae Variant Classification Sherloc (09022015). Collection method: clinical testing. Allele origin: germline.
Comment: This sequence change replaces glutamine, which is neutral and polar, with arginine, which is basic and polar, at codon 1322 of the TTC37 protein (p.Gln1322Arg). This variant is not present in population databases (gnomAD no frequency). This variant has not been reported in the literature in individuals affected with TTC37-related conditions. An algorithm developed to predict the effect of missense changes on protein structure and function (PolyPhen-2) suggests that this variant is likely to be tolerated. In summary, the available evidence is currently insufficient to determine the role of this variant in disease. Therefore, it has been classified as a Variant of Uncertain Significance.